The following is an entry in ClinVar:

NM_002878.4(RAD51D):c.814C>T (p.Pro272Ser)

Genes: RAD51D (RAD51 paralog D; minus strand), RAD51L3-RFFL (RAD51L3-RFFL readthrough; minus strand). Cytogenetic location: 17q12.
Variant type: single nucleotide variant.
Coding change: c.814C>T on transcript NM_002878.4 (MANE Select); coding-DNA position 814, C replaced by T.
Protein change: p.Pro272Ser; replaces proline 272 with serine.
Molecular consequence: missense variant. On other transcripts: non-coding transcript variant (3).
Genome position (GRCh38, 1-based): chr17:35,101,290, G>A on the plus strand (C>T on the coding strand, the complement: RAD51D is on the minus strand). VCF-style: chr17-35101290-G-A. GRCh37 (hg19) VCF-style: chr17-33428309-G-A.
Other names: c.874C>T, p.Pro292Ser (NM_001142571.2); c.478C>T, p.Pro160Ser (NM_133629.3); short protein forms P272S, P160S, P292S.
Identifiers: ClinVar variation 482206 (VCV000482206.13), dbSNP rs1458813748, ClinGen allele CA399086780.

ClinVar aggregate classification (germline): Uncertain significance. Review status: criteria provided, multiple submitters, no conflicts (2 of 4 stars). 2 submissions from 2 submitters: Uncertain significance (2). Last evaluated 2025-05-19.

Conditions:
Hereditary cancer-predisposing syndrome. Also called: Neoplastic Syndromes, Hereditary; Tumor predisposition; Hereditary Cancer Syndrome; Hereditary neoplastic syndrome. Identifiers: Orphanet 140162, MedGen C0027672, MeSH D009386, MONDO:0015356.
Breast-ovarian cancer, familial, susceptibility to, 4. Identifiers: Orphanet 145, MedGen C3280345, MONDO:0013669, OMIM 614291.

Allele frequency attached by ClinVar (database versions not stated): gnomAD exomes below 0.00001 and 0.00001; gnomAD 0.00002; TOPMed 0.00002.
gnomAD v4.1: 6 of 1,614,006 alleles (0.00037%); highest among the groups gnomAD compares: Admixed American, 0.0083%; no homozygotes.

Submissions (2):

Ambry Genetics
Classification: Uncertain significance for Hereditary cancer-predisposing syndrome. Last evaluated: 2025-05-19. Review status: criteria provided, single submitter. Criteria: Ambry Variant Classification Scheme 2023. Collection method: clinical testing. Allele origin: germline.
Comment: The p.P272S variant (also known as c.814C>T), located in coding exon 9 of the RAD51D gene, results from a C to T substitution at nucleotide position 814. The proline at codon 272 is replaced by serine, an amino acid with similar properties. This alteration was detected in 0/3429 patients with epithelial ovarian cancer and 1/2772 unaffected controls (Song H et al. J. Clin. Oncol., 2015 Sep;33:2901-7). This amino acid position is highly conserved in available vertebrate species. In addition, the in silico prediction for this alteration is inconclusive. Since supporting evidence is limited at this time, the clinical significance of this alteration remains unclear.

Labcorp Genetics (formerly Invitae), Labcorp
Classification: Uncertain significance for Breast-ovarian cancer, familial, susceptibility to, 4. Last evaluated: 2024-12-30. Review status: criteria provided, single submitter. Criteria: Invitae Variant Classification Sherloc (09022015). Collection method: clinical testing. Allele origin: germline.
Comment: This sequence change replaces proline, which is neutral and non-polar, with serine, which is neutral and polar, at codon 272 of the RAD51D protein (p.Pro272Ser). This variant is present in population databases (no rsID available, gnomAD 0.003%). This variant has not been reported in the literature in individuals affected with RAD51D-related conditions. ClinVar contains an entry for this variant (Variation ID: 482206). Invitae Evidence Modeling of protein sequence and biophysical properties (such as structural, functional, and spatial information, amino acid conservation, physicochemical variation, residue mobility, and thermodynamic stability) has been performed for this missense variant. However, the output from this modeling did not meet the statistical confidence thresholds required to predict the impact of this variant on RAD51D protein function. In summary, the available evidence is currently insufficient to determine the role of this variant in disease. Therefore, it has been classified as a Variant of Uncertain Significance.

Literature cited by the submitters: PubMed 26261251 (cited by Ambry Genetics).